The following is an entry in ClinVar:

NM_001142864.4(PIEZO1):c.4356G>C (p.Val1452=)

Gene: PIEZO1 (piezo type mechanosensitive ion channel component 1 (Er blood group); minus strand). Cytogenetic location: 16q24.3.
Variant type: single nucleotide variant.
Coding change: c.4356G>C on transcript NM_001142864.4 (MANE Select); coding-DNA position 4356, G replaced by C.
Protein change: p.Val1452=; no amino-acid change (valine 1452 retained).
Molecular consequence: synonymous variant.
Genome position (GRCh38, 1-based): chr16:88,723,308, C>G on the plus strand (G>C on the coding strand, the complement: PIEZO1 is on the minus strand). VCF-style: chr16-88723308-C-G. GRCh37 (hg19) VCF-style: chr16-88789716-C-G.
Other names: p.Val1452=.
Identifiers: ClinVar variation 710405 (VCV000710405.43), dbSNP rs557970560, ClinGen allele CA8232172.
Genomic context (GRCh38, chr16:88,723,308, plus strand): 5'-TTCCTGCCTTGCCTGCTCCTGCTCCTGCTGCCGCCGCCTCAGCACCGCCTGGGCGTTGGT[C>G]ACCCATGCCTGGTACGCCAGCTGTCGGCCAGCCCCCGGGTTAGGACCCGGCCTCCCGAGC-3'
Protein context (NP_001136336.2, residues 1442-1462): SAFQLAYQAW[Val1452=]TNAQAVLRRR

ClinVar aggregate classification (germline): Benign/Likely benign. Review status: criteria provided, multiple submitters, no conflicts (2 of 4 stars). 5 submissions from 5 submitters: Benign (2); Likely benign (3). Last evaluated 2025-10-21.

Allele frequency attached by ClinVar (database versions not stated): ExAC 0.00122; 1000 Genomes Project 30x 0.00234; 1000 Genomes Project 0.00260; gnomAD 0.00273 and 0.00296; TOPMed 0.00340.
gnomAD v4.1: 767 of 1,539,276 alleles (0.05%); highest among the groups gnomAD compares: African/African-American, 0.95%; 4 homozygotes.

Submissions (5):

Labcorp Genetics (formerly Invitae), Labcorp
Classification: Benign. Last evaluated: 2025-10-21. Review status: criteria provided, single submitter. Criteria: Invitae Variant Classification Sherloc (09022015). Collection method: clinical testing. Allele origin: germline.

Blueprint Genetics
Classification: Likely benign. Last evaluated: 2024-09-23. Review status: criteria provided, single submitter. Criteria: ACMG Guidelines, 2015. Collection method: clinical testing. Allele origin: germline.

Mayo Clinic Laboratories, Mayo Clinic
Classification: Likely benign. Last evaluated: 2024-08-08. Review status: criteria provided, single submitter. Criteria: ACMG Guidelines, 2015. Collection method: clinical testing. Allele origin: germline. Observed: 6 variant alleles.
Comment: BP4, BP7, PM2_moderate

ARUP Laboratories, Molecular Genetics and Genomics, ARUP Laboratories
Classification: Benign. Last evaluated: 2024-07-07. Review status: criteria provided, single submitter. Criteria: ARUP Molecular Germline Variant Investigation Process 2024. Collection method: clinical testing. Allele origin: germline.

CeGaT Center for Human Genetics Tuebingen
Classification: Likely benign. Last evaluated: 2022-12-01. Review status: criteria provided, single submitter. Criteria: CeGaT Center For Human Genetics Tuebingen Variant Classification Criteria Version 2. Collection method: clinical testing. Allele origin: germline. Affected: yes. Observed: 1 variant allele.
Comment: PIEZO1: BP4, BP7, BS2